The following is an entry in ClinVar:

NM_000458.4(HNF1B):c.1594A>G (p.Met532Val)

Gene: HNF1B (HNF1 homeobox B; minus strand). Cytogenetic location: 17q12.
Variant type: single nucleotide variant.
Coding change: c.1594A>G on transcript NM_000458.4 (MANE Select); coding-DNA position 1594, A replaced by G.
Protein change: p.Met532Val; replaces methionine 532 with valine.
Molecular consequence: missense variant. On other transcripts: intron variant (1).
Genome position (GRCh38, 1-based): chr17:37,699,135, T>C on the plus strand (A>G on the coding strand, the complement: HNF1B is on the minus strand). VCF-style: chr17-37699135-T-C. GRCh37 (hg19) VCF-style: chr17-36059141-T-C.
Other names: c.1516A>G, p.Met506Val (NM_001165923.4); c.1261+5782A>G (NM_001304286.2); c.1594A>G (NM_000458.3); short protein forms M532V, M506V.
Identifiers: ClinVar variation 594386 (VCV000594386.16), dbSNP rs141193981, ClinGen allele CA8518790.
Genomic context (GRCh38, chr17:37,699,135, plus strand): 5'-CCTGTTTACTTGAAGACATGTTGGTGAGTGTACTGATGCTGCTGGTATCTGTGACCACCA[T>C]TGCAGATGGAAACCGGGAGGTGTGGGAATACTGGGGGGGTTCCTGCTTGTGTGCGTACAC-3'
Protein context (NP_000449.1, residues 522-542): YSHTSRFPSA[Met532Val]VVTDTSSIST

ClinVar aggregate classification (germline): Conflicting classifications of pathogenicity. Review status: criteria provided, conflicting classifications (1 of 4 stars). 7 submissions from 7 submitters: Uncertain significance (4); Likely benign (2). 1 of the submissions does not count toward it. Last evaluated 2026-08-03.

Conditions:
Maturity-onset diabetes of the young (MODY). Also called: Maturity onset diabetes mellitus in young. Identifiers: Orphanet 552, MedGen C0342276, MONDO:0018911, HP:0004904.
HNF1B-related disorder. Also called: HNF1B-related condition; HNF1B-related disorders.
Type 2 diabetes mellitus. Also called: Type II diabetes mellitus. Identifiers: MedGen C0011860, MeSH D003924, MONDO:0005148, OMIM 125853, HP:0005978.
Renal cysts and diabetes syndrome (RCAD). Also called: Familial hypoplastic, glomerulocystic kidney; MATURITY-ONSET DIABETES OF THE YOUNG, TYPE 5. Identifiers: Orphanet 93111, MedGen C0431693, MONDO:0007669, OMIM 137920.

Allele frequency attached by ClinVar (database versions not stated): TOPMed 0.00017; gnomAD 0.00021 and 0.00022; gnomAD exomes 0.00029 and 0.00014; ESP Exome Variant Server 0.00031; ExAC 0.00015.
gnomAD v4.1: 459 of 1,614,016 alleles (0.028%); highest among the groups gnomAD compares: Non-Finnish European, 0.036%; no homozygotes.

Submissions (7):

PreventionGenetics, part of Exact Sciences
Classification: Uncertain significance for HNF1B-related condition. Last evaluated: 2026-08-03. Review status: criteria provided, single submitter. Criteria: ACMG Guidelines, 2015. Collection method: clinical testing. Allele origin: germline.
Comment: The HNF1B c.1594A>G variant is predicted to result in the amino acid substitution p.Met532Val. This variant was observed in an individual from the Framingham Heart Study Offspring cohort which was used in an analysis to assess rare variants in MODY-related genes (Table S2, Flannick et al. 2013. PubMed ID: 24097065). This variant was documented in two individuals in a population-based childhood diabetes cohort (Table S5, Johnson et al. 2019. PubMed ID: 30191644). This variant was also reported as a variant of uncertain significance in a large cohort of patients with presumed dyslipidemias (Table S4, Dron et al. 2020. PubMed ID: 32041611). Of note, this variant is also predicted to create a new splicing acceptor site based on splice prediction programs (Alamut Visual Plus v1.6.1). This variant is reported in 0.022% of alleles in individuals of European (Non-Finnish) descent in gnomAD. Although we suspect that this variant may be benign due to the relatively high minor allele frequency, at this time, the clinical significance of this variant is uncertain due to the absence of conclusive functional and genetic evidence.

Women's Health and Genetics/Laboratory Corporation of America, LabCorp
Classification: Likely benign. Last evaluated: 2026-01-06. Review status: criteria provided, single submitter. Criteria: LabCorp Variant Classification Summary - May 2015. Collection method: clinical testing. Allele origin: germline.
Comment: Variant summary: HNF1B c.1594A>G (p.Met532Val) results in a conservative amino acid change located in the Hepatocyte nuclear factor 1, beta isoform, C-terminal domain (IPR006897) of the encoded protein sequence. Algorithms developed to predict the effect of missense changes on protein structure and function are either unavailable or do not agree on the potential impact of this missense change. The variant allele was found at a frequency of 0.00014 in 251482 control chromosomes. The observed variant frequency exceeds the estimated maximal expected allele frequency for disease-causing variants in HNF1B. c.1594A>G has been reported in the literature as a variant of uncertain significance in individuals with type 1 diabetes mellitus in a large pediatric diabetes cohort (Johnson_2019) and a study performed on a cohort of dyslipidemia patients with unknown disease phenotype and the number of affected individuals in the study (Dron_2020). These report(s) do not provide unequivocal conclusions about association of the variant with Maturity Onset Diabetes Of The Young 5 (Renal Cysts And Diabetes Syndrome). To our knowledge, no experimental evidence demonstrating an impact on protein function has been reported. The following publications have been ascertained in the context of this evaluation (PMID: 32041611, 30191644). ClinVar contains an entry for this variant (Variation ID: 594386). Based on the evidence outlined above, the variant was classified as likely benign.

Labcorp Genetics (formerly Invitae), Labcorp
Classification: Uncertain significance. Last evaluated: 2024-10-12. Review status: criteria provided, single submitter. Criteria: Invitae Variant Classification Sherloc (09022015). Collection method: clinical testing. Allele origin: germline.
Comment: This sequence change replaces methionine, which is neutral and non-polar, with valine, which is neutral and non-polar, at codon 532 of the HNF1B protein (p.Met532Val). This variant is present in population databases (rs141193981, gnomAD 0.02%). This missense change has been observed in individual(s) with type I diabetes mellitus (PMID: 30191644). ClinVar contains an entry for this variant (Variation ID: 594386). Invitae Evidence Modeling of protein sequence and biophysical properties (such as structural, functional, and spatial information, amino acid conservation, physicochemical variation, residue mobility, and thermodynamic stability) indicates that this missense variant is not expected to disrupt HNF1B protein function with a negative predictive value of 80%. In summary, the available evidence is currently insufficient to determine the role of this variant in disease. Therefore, it has been classified as a Variant of Uncertain Significance.

New York Genome Center
Classification: Uncertain significance for Type 2 diabetes mellitus; Renal cysts and diabetes syndrome. Last evaluated: 2021-12-20. Review status: criteria provided, single submitter. Criteria: NYGC Assertion Criteria 2020. Collection method: clinical testing. Allele origin: germline. Observed: 1 heterozygote.
Comment: The heterozygous c.1594A>G (p.Met532Val) missense variant identified in the HNF1B gene has been reported as a variant of uncertain significance in two individuals with type 1 diabetes mellitus in a large pediatric diabetes cohort (PMID: 30191644) and a study performed on a cohort of dyslipidemia patients (PMID:32041611). However, the disease phenotype and the number of affected individuals with the heterozygous c.1594A>G (p.Met532Val) HNF1B variant have not been specified in the study (PMID:32041611). The variant has 0.0001449 allele frequency in the gnomAD (v2.1.1 and v3.1.2) database (41 out of 282880 heterozygous alleles, no homozygotes). This variant is reported twice as a variant of uncertain significance and likely benign in the ClinVar database (Variation ID: 594386). The variant affects a highly conserved residue (Met532) of HNF1B protein and is predicted deleterious by multiple in silico prediction tools (CADD score = 26.8, REVELscore = 0.903). Based on the available evidence, the heterozygous c.1594A>G (p.Met532Val) missense variant identified in the HNF1B gene is reported as a Variant of Uncertain Significance.

Athena Diagnostics
Classification: Likely benign. Last evaluated: 2019-12-10. Review status: criteria provided, single submitter. Criteria: Athena Diagnostics Criteria. Collection method: clinical testing. Allele origin: unknown.

Eurofins Ntd Llc (ga)
Classification: Uncertain significance. Last evaluated: 2017-10-04. Review status: criteria provided, single submitter. Criteria: EGL Classification Definitions 2015. Collection method: clinical testing. Allele origin: germline. Observed: 1 variant allele, 1 heterozygote.

Clinical Genomics, Uppaluri K&H Personalized Medicine Clinic
Classification: Likely risk allele for Maturity-onset diabetes of the young. Review status: flagged submission. Criteria: K & H Uppaluri Personalized Medicine Clinic Variant Classification & Assertion Criteria_Updated V.1. Collection method: research. Allele origin: unknown. Inheritance: Autosomal dominant inheritance. Not counted in ClinVar's aggregate classification.
Comment: HNF1B gene mutations are associated with early onset diabetes and pancreatic atrophy. It is also associated with multiple renal manifestations including renal cysts, Tubulointerstitial disease, glomerulocystic disease, renal hypoplasia, hypomagnesemia. However no sufficient evidence is found to ascertain the role of this particular variant rs141193981, yet.
ClinVar note: Notes: Lab calls the variant likely risk allele but says "no sufficient evidence is found to ascertain the role of this particular variant".
ClinVar note: Reason: Outlier claim with insufficient supporting evidence

Literature cited by the submitters: PubMed 32041611 (cited by Women's Health and Genetics/Laboratory Corporation of America, LabCorp); PubMed 30191644 (cited by 3 submitters); PubMed 24097065 (cited by Athena Diagnostics); PubMed 24897035 (cited by Clinical Genomics, Uppaluri K&H Personalized Medicine Clinic); PubMed 25536396 (cited by Clinical Genomics, Uppaluri K&H Personalized Medicine Clinic); PubMed 27615128 (cited by Clinical Genomics, Uppaluri K&H Personalized Medicine Clinic); PubMed 28215227 (cited by Clinical Genomics, Uppaluri K&H Personalized Medicine Clinic); PubMed 33434175 (cited by Clinical Genomics, Uppaluri K&H Personalized Medicine Clinic); PubMed 25741167 (cited by Clinical Genomics, Uppaluri K&H Personalized Medicine Clinic); PubMed 26340261 (cited by Clinical Genomics, Uppaluri K&H Personalized Medicine Clinic); PubMed 19639018 (cited by Clinical Genomics, Uppaluri K&H Personalized Medicine Clinic).